The following is an entry in ClinVar:

ClinVar aggregate classification (germline): Uncertain significance (1 of 4 stars; one submission).

Conditions:
Brunner syndrome (BRNRS). Identifiers: Orphanet 3057, MedGen C0796275, MONDO:0010379, OMIM 300615.

Submission:

Labcorp Genetics (formerly Invitae), Labcorp
Classification: Uncertain significance for Brunner syndrome. Last evaluated: 2025-06-03. Review status: criteria provided, single submitter. Criteria: Invitae Variant Classification Sherloc (09022015). Collection method: clinical testing. Allele origin: germline.
Comment: This sequence change affects the initiator codon of the MAOA mRNA. This change may impact translation initiation or efficiency. The next in-frame methionine is located at codon 13. This variant is not present in population databases (gnomAD no frequency). This variant has not been reported in the literature in individuals affected with MAOA-related conditions. Experimental studies and prediction algorithms are not available or were not evaluated, and the functional significance of this variant is currently unknown. In summary, the available evidence is currently insufficient to determine the role of this variant in disease. Therefore, it has been classified as a Variant of Uncertain Significance.

NM_000240.4(MAOA):c.2T>G (p.Met1Arg)

Gene: MAOA (monoamine oxidase A; plus strand). Cytogenetic location: Xp11.3.
Variant type: single nucleotide variant.
Coding change: c.2T>G on transcript NM_000240.4 (MANE Select); coding-DNA position 2, T replaced by G.
Protein change: p.Met1Arg; changes the start codon (methionine 1).
Molecular consequence: missense variant, initiator codon variant. On other transcripts: 5 prime UTR variant (1).
Genome position (GRCh38, 1-based): chrX:43,656,343, T>G. VCF-style: chrX-43656343-T-G. GRCh37 (hg19) VCF-style: chrX-43515591-T-G.
Other names: c.-506T>G (NM_001270458.2); short protein forms M1R.
Identifiers: ClinVar variation 4707214 (VCV004707214.1).